The following is an entry in ClinVar:

ClinVar aggregate classification (germline): Uncertain significance. Review status: criteria provided, multiple submitters, no conflicts (2 of 4 stars). 3 submissions from 3 submitters: Uncertain significance (3). Last evaluated 2025-01-02.

Conditions:
Hereditary cancer-predisposing syndrome. Also called: Neoplastic Syndromes, Hereditary; Tumor predisposition; Hereditary Cancer Syndrome; Hereditary neoplastic syndrome. Identifiers: Orphanet 140162, MedGen C0027672, MeSH D009386, MONDO:0015356.
Carney-Stratakis syndrome. Also called: PARAGANGLIOMA AND GASTROINTESTINAL STROMAL TUMOR. Identifiers: Orphanet 97286, MedGen C1847319, MONDO:0011740, OMIM 606864.
Pheochromocytoma/paraganglioma syndrome 4. Also called: CAROTID BODY TUMORS AND MULTIPLE EXTRAADRENAL PHEOCHROMOCYTOMAS; SDHB-Related Hereditary Paraganglioma-Pheochromocytoma Syndrome (Paragangliomas 4); SDHB-Related Hereditary Paraganglioma-Pheochromocytoma Syndrome; PARAGANGLIOMA, FAMILIAL MALIGNANT; PARAGANGLIOMAS, HEREDITARY EXTRAADRENAL; PHEOCHROMOCYTOMA, FAMILIAL EXTRAADRENAL. Identifiers: Orphanet 29072, MedGen C1861848, MONDO:0007273, OMIM 115310.
Gastrointestinal stromal tumor. Also called: Gastrointestinal stromal tumor, somatic; Gastrointestinal stroma tumor. Identifiers: Orphanet 44890, MedGen C0238198, MeSH D046152, MONDO:0011719, OMIM 606764, HP:0100723.
Mitochondrial complex 2 deficiency, nuclear type 4. Also called: MITOCHONDRIAL COMPLEX II DEFICIENCY, NUCLEAR TYPE 4. Identifiers: MedGen C5543176, MONDO:0030974, OMIM 619224.
Pheochromocytoma. Also called: MAX-Related Hereditary Paraganglioma-Pheochromocytoma Syndrome. Identifiers: Orphanet 29072, MedGen C0031511, MONDO:0008233, OMIM 171300, HP:0002666.

Allele frequency attached by ClinVar (database versions not stated): gnomAD exomes below 0.00001.
gnomAD v4.1: 1 of 1,614,098 alleles (0.000062%); highest among the groups gnomAD compares: Non-Finnish European, 0.000085%; no homozygotes.

Submissions (3):

Ambry Genetics
Classification: Uncertain significance for Hereditary cancer-predisposing syndrome. Last evaluated: 2025-01-02. Review status: criteria provided, single submitter. Criteria: Ambry Variant Classification Scheme 2023. Collection method: clinical testing. Allele origin: germline.
Comment: The p.P129S variant (also known as c.385C>T), located in coding exon 4 of the SDHB gene, results from a C to T substitution at nucleotide position 385. The proline at codon 129 is replaced by serine, an amino acid with similar properties. This amino acid position is highly conserved in available vertebrate species. In addition, this alteration is predicted to be deleterious by in silico analysis. Since supporting evidence is limited at this time, the clinical significance of this alteration remains unclear.

Fulgent Genetics
Classification: Uncertain significance for Pheochromocytoma/paraganglioma syndrome 4; Gastrointestinal stromal tumor; Carney-Stratakis syndrome; Mitochondrial complex 2 deficiency, nuclear type 4. Last evaluated: 2024-02-24. Review status: criteria provided, single submitter. Criteria: ACMG Guidelines, 2015. Collection method: clinical testing. Allele origin: germline.

Labcorp Genetics (formerly Invitae), Labcorp
Classification: Uncertain significance for Gastrointestinal stromal tumor; Pheochromocytoma/paraganglioma syndrome 4; Pheochromocytoma. Last evaluated: 2024-01-28. Review status: criteria provided, single submitter. Criteria: Invitae Variant Classification Sherloc (09022015). Collection method: clinical testing. Allele origin: germline.
Comment: This sequence change replaces proline, which is neutral and non-polar, with serine, which is neutral and polar, at codon 129 of the SDHB protein (p.Pro129Ser). This variant is not present in population databases (gnomAD no frequency). This variant has not been reported in the literature in individuals affected with SDHB-related conditions. ClinVar contains an entry for this variant (Variation ID: 824312). Advanced modeling of protein sequence and biophysical properties (such as structural, functional, and spatial information, amino acid conservation, physicochemical variation, residue mobility, and thermodynamic stability) performed at Invitae indicates that this missense variant is expected to disrupt SDHB protein function with a positive predictive value of 80%. In summary, the available evidence is currently insufficient to determine the role of this variant in disease. Therefore, it has been classified as a Variant of Uncertain Significance.

NM_003000.3(SDHB):c.385C>T (p.Pro129Ser)

Gene: SDHB (succinate dehydrogenase complex iron sulfur subunit B; minus strand). Cytogenetic location: 1p36.13.
Variant type: single nucleotide variant.
Coding change: c.385C>T on transcript NM_003000.3 (MANE Select); coding-DNA position 385, C replaced by T.
Protein change: p.Pro129Ser; replaces proline 129 with serine.
Molecular consequence: missense variant.
Genome position (GRCh38, 1-based): chr1:17,028,638, G>A on the plus strand (C>T on the coding strand, the complement: SDHB is on the minus strand). VCF-style: chr1-17028638-G-A. GRCh37 (hg19) VCF-style: chr1-17355133-G-A.
Other names: short protein forms P129S.
Identifiers: ClinVar variation 824312 (VCV000824312.11), dbSNP rs1553177740, ClinGen allele CA338274290.
Genomic context (GRCh38, chr1:17,028,638, plus strand): 5'-CCAGAGAGATGCAGAAACTCACGGGAACAAGATCCTTTATCACATACATGTGTGGAAGAG[G>A]GTAGATTTTTGAGACCTTATTGAGGTTGGTGTCAATCCTTCGGGTGCAAGCTAGAGTGTT-3'
Protein context (NP_002991.2, residues 119-139): TNLNKVSKIY[Pro129Ser]LPHMYVIKDL